The following is an entry in ClinVar:

ClinVar aggregate classification (germline): Uncertain significance (1 of 4 stars; one submission).

Conditions:
Cardiovascular phenotype. Identifiers: MedGen CN230736.

Allele frequency attached by ClinVar (database versions not stated): ExAC 0.00001; gnomAD 0.00001; TOPMed 0.00001.
gnomAD v4.1: 2 of 1,613,264 alleles (0.00012%); highest among the groups gnomAD compares: African/African-American, 0.0013%; no homozygotes.

Submission:

Ambry Genetics
Classification: Uncertain significance for Cardiovascular phenotype. Last evaluated: 2018-12-28. Review status: criteria provided, single submitter. Criteria: Ambry Variant Classification Scheme 2023. Collection method: clinical testing. Allele origin: germline.
Comment: The p.V11713F variant (also known as c.35137G>T), located in coding exon 131 of the TTN gene, results from a G to T substitution at nucleotide position 35137. The valine at codon 11713 is replaced by phenylalanine, an amino acid with highly similar properties. This amino acid position is not well conserved in available vertebrate species. In addition, this alteration is predicted to be tolerated by in silico analysis. Since supporting evidence is limited at this time, the clinical significance of this alteration remains unclear.

NM_001267550.2(TTN):c.62332G>T (p.Val20778Phe)

Genes: TTN (titin; minus strand), TTN-AS1 (TTN antisense RNA 1; plus strand). Cytogenetic location: 2q31.2.
Variant type: single nucleotide variant.
Coding change: c.62332G>T on transcript NM_001267550.2 (MANE Select); coding-DNA position 62332, G replaced by T.
Protein change: p.Val20778Phe; replaces valine 20778 with phenylalanine.
Molecular consequence: missense variant.
Genome position (GRCh38, 1-based): chr2:178,589,393, C>A on the plus strand (G>T on the coding strand, the complement: TTN is on the minus strand). VCF-style: chr2-178589393-C-A. GRCh37 (hg19) VCF-style: chr2-179454120-C-A.
Other names: c.57409G>T, p.Val19137Phe (NM_001256850.1); c.35137G>T, p.Val11713Phe (NM_003319.4); c.54628G>T, p.Val18210Phe (NM_133378.4); c.35512G>T, p.Val11838Phe (NM_133432.3); c.35713G>T, p.Val11905Phe (NM_133437.4); short protein forms V18210F, V11838F, V19137F, V20778F, V11905F, V11713F.
Identifiers: ClinVar variation 1732179 (VCV001732179.2), dbSNP rs754672686, ClinGen allele CA1992239.